The following is an entry in ClinVar:

ClinVar aggregate classification (germline): Uncertain significance (1 of 4 stars; one submission).

Conditions:
DiGeorge syndrome. Also called: THIRD AND FOURTH PHARYNGEAL POUCH SYNDROME; Catch22. Identifiers: Orphanet 567, MedGen C0012236, MONDO:0008564, OMIM 188400.

Submission:

Labcorp Genetics (formerly Invitae), Labcorp
Classification: Uncertain significance for DiGeorge syndrome. Last evaluated: 2023-05-23. Review status: criteria provided, single submitter. Criteria: Invitae Variant Classification Sherloc (09022015). Collection method: clinical testing. Allele origin: germline.
Comment: This sequence change replaces tryptophan, which is neutral and slightly polar, with arginine, which is basic and polar, at codon 179 of the TBX1 protein (p.Trp179Arg). This variant is not present in population databases (gnomAD no frequency). This variant has not been reported in the literature in individuals affected with TBX1-related conditions. Advanced modeling of protein sequence and biophysical properties (such as structural, functional, and spatial information, amino acid conservation, physicochemical variation, residue mobility, and thermodynamic stability) performed at Invitae indicates that this missense variant is expected to disrupt TBX1 protein function. In summary, the available evidence is currently insufficient to determine the role of this variant in disease. Therefore, it has been classified as a Variant of Uncertain Significance.

NM_001379200.1(TBX1):c.562T>C (p.Trp188Arg)

Gene: TBX1 (T-box transcription factor 1; plus strand). Cytogenetic location: 22q11.21.
Variant type: single nucleotide variant.
Coding change: c.562T>C on transcript NM_001379200.1 (MANE Select); coding-DNA position 562, T replaced by C.
Protein change: p.Trp188Arg; replaces tryptophan 188 with arginine.
Molecular consequence: missense variant.
Genome position (GRCh38, 1-based): chr22:19,764,177, T>C. VCF-style: chr22-19764177-T-C. GRCh37 (hg19) VCF-style: chr22-19751700-T-C.
Other names: c.535T>C, p.Trp179Arg (NM_005992.1, NM_080646.2, NM_080647.1); short protein forms W179R, W188R.
Identifiers: ClinVar variation 2862172 (VCV002862172.3), dbSNP rs2517849828, ClinGen allele CA410682623.